The following is an entry in ClinVar:

ClinVar aggregate classification (germline): Uncertain significance (1 of 4 stars; one submission).

gnomAD v4.1: 55 of 1,614,110 alleles (0.0034%); highest among the groups gnomAD compares: East Asian, 0.0067%; no homozygotes.

Submission:

Labcorp Genetics (formerly Invitae), Labcorp
Classification: Uncertain significance. Last evaluated: 2025-09-05. Review status: criteria provided, single submitter. Criteria: Invitae Variant Classification Sherloc (09022015). Collection method: clinical testing. Allele origin: germline.
Comment: This sequence change replaces arginine, which is basic and polar, with histidine, which is basic and polar, at codon 1682 of the SPTB protein (p.Arg1682His). This variant is present in population databases (rs748760619, gnomAD 0.02%). This variant has not been reported in the literature in individuals affected with SPTB-related conditions. An algorithm developed to predict the effect of missense changes on protein structure and function (PolyPhen-2) suggests that this variant is likely to be disruptive. In summary, the available evidence is currently insufficient to determine the role of this variant in disease. Therefore, it has been classified as a Variant of Uncertain Significance.

NM_001355436.2(SPTB):c.5045G>A (p.Arg1682His)

Gene: SPTB (spectrin beta, erythrocytic; minus strand). Cytogenetic location: 14q23.3.
Variant type: single nucleotide variant.
Coding change: c.5045G>A on transcript NM_001355436.2 (MANE Select); coding-DNA position 5045, G replaced by A.
Protein change: p.Arg1682His; replaces arginine 1682 with histidine.
Molecular consequence: missense variant.
Genome position (GRCh38, 1-based): chr14:64,773,353, C>T on the plus strand (G>A on the coding strand, the complement: SPTB is on the minus strand). VCF-style: chr14-64773353-C-T. GRCh37 (hg19) VCF-style: chr14-65240071-C-T.
Other names: c.5045G>A, p.Arg1682His (NM_001024858.4, NM_001355437.2); short protein forms R1682H.
Identifiers: ClinVar variation 4690835 (VCV004690835.1).